The following is an entry in ClinVar:

ClinVar aggregate classification (germline): Conflicting classifications of pathogenicity. Review status: criteria provided, conflicting classifications (1 of 4 stars). 13 submissions from 13 submitters: Pathogenic (6); Likely pathogenic (5); Uncertain significance (1). 1 of the submissions does not count toward it. Last evaluated 2026-01-26.

Conditions:
COASY-Related Disorders.
COASY-related disorder. Also called: COASY-related condition.
Neurodegeneration with brain iron accumulation 6 (NBIA6). Also called: COASY protein-associated neurodegeneration. Identifiers: Orphanet 397725, MedGen C4517377, MONDO:0014290, OMIM 615643.
Pontocerebellar hypoplasia, type 12. Identifiers: Orphanet 611256, MedGen C4748873, MONDO:0032643, OMIM 618266.
Neurodegeneration with brain iron accumulation (NBIA). Identifiers: Orphanet 385, MedGen C2931845, MONDO:0018307.
Isolated cerebellar hypoplasia/agenesis (CHEGDD). Also called: Cerebellar hypoplasia/atrophy, epilepsy, and global developmental delay. Identifiers: Orphanet 1398, Orphanet 2246, MedGen C5231391, MONDO:0008939, OMIM 213000.

Submissions (13):

Labcorp Genetics (formerly Invitae), Labcorp
Classification: Pathogenic for Neurodegeneration with brain iron accumulation 6. Last evaluated: 2026-01-26. Review status: criteria provided, single submitter. Criteria: Invitae Variant Classification Sherloc (09022015). Collection method: clinical testing. Allele origin: germline.
Comment: This sequence change creates a premature translational stop signal (p.Ile469*) in the COASY gene. It is expected to result in an absent or disrupted protein product. Loss-of-function variants in COASY are known to be pathogenic (PMID: 24360804, 30089828). This variant is present in population databases (rs560987504, gnomAD 0.09%), and has an allele count higher than expected for a pathogenic variant. This variant has not been reported in the literature in individuals affected with COASY-related conditions. ClinVar contains an entry for this variant (Variation ID: 421057). For these reasons, this variant has been classified as Pathogenic.

Victorian Clinical Genetics Services, Murdoch Childrens Research Institute
Classification: Pathogenic for Neurodegeneration with brain iron accumulation 6. Last evaluated: 2025-09-01. Review status: criteria provided, single submitter. Criteria: ACMG Guidelines, 2015. Collection method: clinical testing. Allele origin: germline. Affected: yes.
Comment: This variant is classified as Pathogenic. Evidence in support of pathogenic classification: Variant is predicted to cause nonsense-mediated decay (NMD) and loss of protein (premature termination codon is located at least 54 nucleotides upstream of the final exon-exon junction); Variant is present in gnomAD v2 <0.01 for a recessive condition (145 heterozygotes, 0 homozygotes); This variant has moderate previous evidence of pathogenicity in unrelated individuals with neurodegeneration with brain iron accumulation (ClinVar, LOVD); Other NMD variants comparable to the one identified in this case have moderate previous evidence for pathogenicity (ClinVar, DECIPHER, LOVD). Additional information: This variant is heterozygous; This gene is associated with autosomal recessive disease; No published segregation evidence has been identified for this variant; No published functional evidence has been identified for this variant; Loss of function is a known mechanism of disease in this gene and is associated with neurodegeneration with brain iron accumulation 6 (MIM#615643), and pontocerebellar hypoplasia, type 12 (MIM#618266); Inheritance information for this variant is not currently available in this individual.

Revvity Omics, Revvity
Classification: Pathogenic. Last evaluated: 2025-07-07. Review status: criteria provided, single submitter. Criteria: ACMG Guidelines, 2015. Collection method: clinical testing. Allele origin: germline.

CeGaT Center for Human Genetics Tuebingen
Classification: Likely pathogenic. Last evaluated: 2024-11-01. Review status: criteria provided, single submitter. Criteria: CeGaT Center For Human Genetics Tuebingen Variant Classification Criteria Version 2. Collection method: clinical testing. Allele origin: germline. Affected: yes. Observed: 1 variant allele.
Comment: COASY: PVS1:Strong, PM3, PM2:Supporting, PP1

Blueprint Genetics
Classification: Likely pathogenic for COASY-related disorders. Last evaluated: 2024-10-24. Review status: criteria provided, single submitter. Criteria: ACMG Guidelines, 2015. Collection method: clinical testing. Allele origin: germline. Affected: yes. Observed: 5 variant alleles.

Women's Health and Genetics/Laboratory Corporation of America, LabCorp
Classification: Pathogenic for Neurodegeneration with brain iron accumulation. Last evaluated: 2024-09-10. Review status: criteria provided, single submitter. Criteria: LabCorp Variant Classification Summary - May 2015. Collection method: clinical testing. Allele origin: germline.
Comment: Variant summary: COASY c.1403_1404dupTG (p.Ile469X) results in a premature termination codon, predicted to cause a truncation of the encoded protein or absence of the protein due to nonsense mediated decay, which are commonly known mechanisms for disease. The variant allele was found at a frequency of 0.00051 in 250902 control chromosomes, predominantly at a frequency of 0.0009 within the Non-Finnish European subpopulation in the gnomAD database. The observed variant frequency within Non-Finnish European control individuals in the gnomAD database is approximately 4.76 fold of the estimated maximal expected allele frequency for a pathogenic variant in COASY causing Neurodegeneration With Brain Iron Accumulation phenotype (0.00019). However, no homogzygotes were present in gnomad. c.1403_1404dupTG has been reported in the literature in compound heterozygous individuals affected with Neurodegeneration With Brain Iron Accumulation, including two affected siblings (Cavestro_2024). These data indicate that the variant is likely to be associated with disease. To our knowledge, no experimental evidence demonstrating an impact on protein function has been reported. The following publication have been ascertained in the context of this evaluation (PMID: 38750253). ClinVar contains an entry for this variant (Variation ID: 421057). Based on the evidence outlined above, the variant was classified as pathogenic.

GeneDx
Classification: Pathogenic. Last evaluated: 2024-07-30. Review status: criteria provided, single submitter. Criteria: GeneDx Variant Classification Process June 2021. Collection method: clinical testing. Allele origin: germline. Affected: yes.
Comment: Nonsense variant predicted to result in protein truncation or nonsense mediated decay in a gene for which loss of function is a known mechanism of disease; This variant is associated with the following publications: (PMID: 38750253, Lynch[poster]2021)

Fulgent Genetics
Classification: Likely pathogenic for Neurodegeneration with brain iron accumulation 6; Pontocerebellar hypoplasia, type 12. Last evaluated: 2024-02-22. Review status: criteria provided, single submitter. Criteria: ACMG Guidelines, 2015. Collection method: clinical testing. Allele origin: germline.

Department of Pathology and Laboratory Medicine, Sinai Health System
Classification: Pathogenic for Neurodegeneration with brain iron accumulation 6. Last evaluated: 2023-09-13. Review status: criteria provided, single submitter. Criteria: ACMG Guidelines, 2015. Collection method: research. Allele origin: germline.

Ambry Genetics
Classification: Uncertain significance. Last evaluated: 2022-02-04. Review status: criteria provided, single submitter. Criteria: Ambry Variant Classification Scheme 2023. Collection method: clinical testing. Allele origin: germline.
Comment: The c.1490_1491dupTG (p.I498*) alteration, located in exon 9 (coding exon 8) of the COASY gene, consists of a duplication of TG at position 1490, causing a translational frameshift with a predicted alternate stop codon after amino acids. This alteration is expected to result in loss of function by premature protein truncation or nonsense-mediated mRNA decay. Based on data from gnomAD, the TGTG allele has an overall frequency of 0.05% (145/282266) total alleles studied. The highest observed frequency was 0.09% (116/128832) of European (non-Finnish) alleles. Based on insufficient or conflicting evidence, the clinical significance of this alteration remains unclear.

Genetic Services Laboratory, University of Chicago
Classification: Likely pathogenic. Last evaluated: 2021-03-08. Review status: criteria provided, single submitter. Criteria: ACMG Guidelines, 2015. Collection method: clinical testing. Allele origin: germline. Affected: yes.
Comment: DNA sequence analysis of the COASY gene demonstrated a two base pair duplication in exon 7, c.1403_1404dup. This sequence change results in the creation of a premature stop codon at amino acid position 469, p.Ile469*. This sequence change is predicted to result in an abnormal transcript, which may be degraded, or may lead to the production of a truncated COASY protein with potentially abnormal function. This sequence change has not been previously described in patients with COSY--related neurodegeneration; however, other loss-of-function variants, including downstream of this variant, have been reported to be disease causing. Based on the above we interpret this variant as likely pathogenic.

Cambridge Genomics Laboratory, East Genomic Laboratory Hub, NHS Genomic Medicine Service
Classification: Likely pathogenic for Isolated cerebellar hypoplasia/agenesis. Last evaluated: 2020-02-21. Review status: criteria provided, single submitter. Criteria: ACGS Best Practice Guidelines for Variant Classification in Rare Disease 2020. Collection method: clinical testing. Allele origin: germline. Affected: yes. Observed: 1 variant allele.

PreventionGenetics, part of Exact Sciences
Classification: Likely pathogenic for COASY-related condition. Last evaluated: 2024-04-29. Review status: no assertion criteria provided. Collection method: clinical testing. Allele origin: germline. Not counted in ClinVar's aggregate classification.
Comment: The COASY c.1403_1404dupTG variant is predicted to result in premature protein termination (p.Ile469*). To our knowledge, this variant has not been reported in the literature. This variant is reported in 0.090% of alleles in individuals of European (Non-Finnish) descent in gnomAD. This variant has been classified as pathogenic or likely pathogenic by multiple independent submitters to the ClinVar database. Nonsense variants in COASY are expected to be pathogenic and therefore we interpret c.1403_1404dup (p.Ile469*) as likely pathogenic.

Literature cited by the submitters: PubMed 24360804 (cited by Labcorp Genetics (formerly Invitae), Labcorp); PubMed 30089828 (cited by Labcorp Genetics (formerly Invitae), Labcorp); PubMed 38750253 (cited by Women's Health and Genetics/Laboratory Corporation of America, LabCorp); PubMed 28106320 (cited by Ambry Genetics).

NM_025233.7(COASY):c.1403_1404dup (p.Ile469Ter)

Gene: COASY (Coenzyme A synthase; plus strand). Cytogenetic location: 17q21.2.
Variant type: Microsatellite.
Coding change: c.1403_1404dup on transcript NM_025233.7 (MANE Select); coding-DNA positions 1403 to 1404, 2 bases duplicated (TG; older notation c.1403_1404dupTG).
Protein change: p.Ile469Ter; replaces isoleucine 469 with a stop codon.
Molecular consequence: nonsense.
Genome position (GRCh38, 1-based): chr17:42,565,486-42,565,487, TG duplicated; duplicating any 2 consecutive bases within chr17:42,565,477-42,565,487 gives the same sequence; the c. name uses the placement nearest the transcript's 3' end. VCF-style (leftmost placement, unchanged base first): chr17-42565476-C-CGT. GRCh37 (hg19) VCF-style: chr17-40717494-C-CGT.
Other names: c.1403_1404dup, p.Ile469Ter (NM_001042529.3); c.1490_1491dup, p.Ile498Ter (NM_001042532.4); c.1403_1404dup (NM_025233.6); c.1403_1404dupTG (NM_025233.7); c.1490_1491dupTG (NM_001042532.2); short protein forms I469*, I498*.
Identifiers: ClinVar variation 421057 (VCV000421057.52), dbSNP rs560987504, ClinGen allele CA8578324.